The following is an entry in ClinVar:

NM_024884.3(L2HGDH):c.178G>A (p.Gly60Arg)

Gene: L2HGDH (L-2-hydroxyglutarate dehydrogenase; minus strand). Cytogenetic location: 14q21.3.
Variant type: single nucleotide variant.
Coding change: c.178G>A on transcript NM_024884.3 (MANE Select); coding-DNA position 178, G replaced by A.
Protein change: p.Gly60Arg; replaces glycine 60 with arginine.
Molecular consequence: missense variant.
Genome position (GRCh38, 1-based): chr14:50,302,980, C>T on the plus strand (G>A on the coding strand, the complement: L2HGDH is on the minus strand). VCF-style: chr14-50302980-C-T. GRCh37 (hg19) VCF-style: chr14-50769698-C-T.
Other names: short protein forms G60R.
Identifiers: ClinVar variation 2152204 (VCV002152204.4), dbSNP rs771556952, ClinGen allele CA7178101.

ClinVar aggregate classification (germline): Pathogenic (1 of 4 stars; one submission).

Conditions:
L-2-hydroxyglutaric aciduria (L2HGA). Identifiers: Orphanet 79314, MedGen C1855995, MONDO:0009370, OMIM 236792, HP:0040144.

Allele frequency attached by ClinVar (database versions not stated): gnomAD exomes below 0.00001; ExAC 0.00001.
gnomAD v4.1: 1 of 1,613,796 alleles (0.000062%); highest among the groups gnomAD compares: South Asian, 0.0011%; no homozygotes.

Submission:

Labcorp Genetics (formerly Invitae), Labcorp
Classification: Pathogenic for L-2-hydroxyglutaric aciduria. Last evaluated: 2023-06-29. Review status: criteria provided, single submitter. Criteria: Invitae Variant Classification Sherloc (09022015). Collection method: clinical testing. Allele origin: germline.
Comment: This sequence change replaces glycine, which is neutral and non-polar, with arginine, which is basic and polar, at codon 60 of the L2HGDH protein (p.Gly60Arg). This variant is present in population databases (rs771556952, gnomAD 0.003%). This missense change has been observed in individual(s) with clinical features of L-2-hydroxyglutaric aciduria (PMID: 29458334). It has also been observed to segregate with disease in related individuals. ClinVar contains an entry for this variant (Variation ID: 2152204). Advanced modeling of protein sequence and biophysical properties (such as structural, functional, and spatial information, amino acid conservation, physicochemical variation, residue mobility, and thermodynamic stability) performed at Invitae indicates that this missense variant is expected to disrupt L2HGDH protein function. For these reasons, this variant has been classified as Pathogenic.

Literature cited by the submitters: PubMed 29458334.